The following is an entry in ClinVar:

ClinVar aggregate classification (germline): Benign (0 of 4 stars; one submission).

Conditions:
MUC16-related disorder. Also called: MUC16-related condition.

Allele frequency attached by ClinVar (database versions not stated): TOPMed 0.91152; 1000 Genomes Project 0.91174; 1000 Genomes Project 30x 0.91271; gnomAD 0.91748; ExAC 0.92141; gnomAD exomes 0.92511; ESP Exome Variant Server 0.92591.

Submission:

PreventionGenetics, part of Exact Sciences
Classification: Benign for MUC16-related condition. Last evaluated: 2019-10-17. Review status: no assertion criteria provided. Collection method: clinical testing. Allele origin: germline.
Comment: This variant is classified as benign based on ACMG/AMP sequence variant interpretation guidelines (Richards et al. 2015 PMID: 25741868, with internal and published modifications).

NM_001401501.2(MUC16):c.45922G>C (p.Val15308Leu)

Gene: MUC16 (mucin 16, cell surface associated; minus strand). Cytogenetic location: 19p13.2.
Variant type: single nucleotide variant.
Coding change: c.45922G>C on transcript NM_001401501.2 (MANE Select); coding-DNA position 45922, G replaced by C.
Protein change: p.Val15308Leu; replaces valine 15308 with leucine.
Molecular consequence: missense variant.
Genome position (GRCh38, 1-based): chr19:8,851,305, C>G on the plus strand (G>C on the coding strand, the complement: MUC16 is on the minus strand). VCF-style: chr19-8851305-C-G. GRCh37 (hg19) VCF-style: chr19-8961981-C-G.
Other names: c.46348G>C, p.Val15450Leu (NM_001414686.1); c.45802G>C, p.Val15268Leu (NM_001414687.1); c.43396G>C, p.Val14466Leu (NM_024690.2); short protein forms V14466L, V15268L, V15308L, V15450L.
Identifiers: ClinVar variation 3058931 (VCV003058931.2), dbSNP rs1035442, ClinGen allele CA9162054.